The following is an entry in ClinVar:

NM_004974.4(KCNA2):c.890G>A (p.Arg297Gln)

Gene: KCNA2 (potassium voltage-gated channel subfamily A member 2; minus strand). Cytogenetic location: 1p13.3.
Variant type: single nucleotide variant.
Coding change: c.890G>A on transcript NM_004974.4 (MANE Select); coding-DNA position 890, G replaced by A.
Protein change: p.Arg297Gln; replaces arginine 297 with glutamine.
Molecular consequence: missense variant.
Genome position (GRCh38, 1-based): chr1:110,603,893, C>T on the plus strand (G>A on the coding strand, the complement: KCNA2 is on the minus strand). VCF-style: chr1-110603893-C-T. GRCh37 (hg19) VCF-style: chr1-111146515-C-T.
Other names: c.890G>A, p.Arg297Gln (NM_001204269.2); c.890G>A (NM_004974.2); short protein forms R297Q.
Identifiers: ClinVar variation 190328 (VCV000190328.68), dbSNP rs786205232, ClinGen allele CA199675.
Genomic context (GRCh38, chr1:110,603,893, plus strand): 5'-AGAATCTGGAGACCTTTGGAGTGTCTGGACAACTTGAAAATCCTAAAGACTCTTACCAAC[C>T]GGATGACACGGAGGATGGCCAGTGACATGGCCTGCTGGCCTTGCTGAGCGTCCTCTGGCT-3'
Protein context (NP_004965.1, residues 287-307): AMSLAILRVI[Arg297Gln]LVRVFRIFKL

ClinVar aggregate classification (germline): Pathogenic. Review status: criteria provided, multiple submitters, no conflicts (2 of 4 stars). 11 submissions from 11 submitters: Pathogenic (8). 3 of the submissions do not count toward it. Last evaluated 2025-12-21.

Conditions:
Neurodevelopmental disorder. Identifiers: MedGen C1535926, MeSH D065886, MONDO:0700092.
KCNA2-related disorder. Also called: KCNA2-related condition.
Developmental and epileptic encephalopathy, 32 (DEE32). Also called: Epileptic encephalopathy, early infantile, 32. Identifiers: Orphanet 442835, MedGen C4225350, MONDO:0014607, OMIM 616366.
Inborn genetic diseases. Identifiers: MedGen C0950123, MeSH D030342.
Developmental and epileptic encephalopathy, 1 (DEE1). Also called: INFANTILE SPASM SYNDROME, X-LINKED 1; X-linked infantile spasms; West's syndrome; Tonic spasms with clustering, arrest of psychomotor development and hypsarrhythmia on EEG; X-Linked Infantile Spasm Syndrome; OHTAHARA SYNDROME, X-LINKED. Identifiers: MedGen C3463992, MONDO:0010632, OMIM 308350. Disease mechanism: loss of function.

Submissions (11):

Clinical Genomics, G42 Labs
Classification: Pathogenic for Developmental and epileptic encephalopathy, 32. Last evaluated: 2025-12-21. Review status: criteria provided, single submitter. Criteria: ACMG Guidelines, 2015. Collection method: clinical testing. Allele origin: germline. Inheritance: Autosomal dominant inheritance. Affected: yes. Observed: 1 heterozygote.
Comment: The c.890G>A, p.(Arg297Gln) is a missense variant in the KCNA2 gene, which results in the amino acid substitution of glutamine for arginine at codon 297. The variant is absent from controls in gnomAD population (GnomAD v4.1.0). Multiple lines of computational evidence support a deleterious effect on the gene or gene product. This variant lies in the transmembrane segments S1–S4 forming the voltage sensor domain of the voltage-gated potassium channel KV1.2 of the KCNA2 protein (PMID: 25751627, PMID: 16002579, PMID: 8046438). Experimental studies, including cell-based functional assays, demonstrated that this missense change affects KCNA2 function by altering the S4 voltage sensor and inducing a gain-of-function effect, resulting in persistently open channels (PMID: 25751627). Different missense variant affecting the same codon c.889C>T, p.( Arg297Trp) has been reported in individual with clinical features of early infantile epileptic encephalopathy (Clinvar ID: 986989; PMID: 28806589). Ten out of eleven clinical laboratories have classified this variant as pathogenic and another one as likely pathogenic (Clinvar ID: 190328). This variant has been reported in a heterozygous state in individuals with epileptic encephalopathy (PMID: 25477152, 27733563, 25751627), including de novo occurrences (PMID: 25751627, PMID: 25477152, ClinVar Based on the available evidence, this variant has been classified as pathogenic.

Labcorp Genetics (formerly Invitae), Labcorp
Classification: Pathogenic for Developmental and epileptic encephalopathy, 32. Last evaluated: 2024-01-22. Review status: criteria provided, single submitter. Criteria: Invitae Variant Classification Sherloc (09022015). Collection method: clinical testing. Allele origin: germline.
Comment: This sequence change replaces arginine, which is basic and polar, with glutamine, which is neutral and polar, at codon 297 of the KCNA2 protein (p.Arg297Gln). This variant is not present in population databases (gnomAD no frequency). This missense change has been observed in individual(s) with autosomal dominant epileptic encephalopathy (PMID: 25477152, 25751627, 27733563). In at least one individual the variant was observed to be de novo. ClinVar contains an entry for this variant (Variation ID: 190328). Advanced modeling of protein sequence and biophysical properties (such as structural, functional, and spatial information, amino acid conservation, physicochemical variation, residue mobility, and thermodynamic stability) performed at Invitae indicates that this missense variant is expected to disrupt KCNA2 protein function with a positive predictive value of 80%. Experimental studies have shown that this missense change affects KCNA2 function (PMID: 25751627). For these reasons, this variant has been classified as Pathogenic.

Blueprint Genetics
Classification: Pathogenic for KCNA2-related disorders. Last evaluated: 2023-09-15. Review status: criteria provided, single submitter. Criteria: ACMG Guidelines, 2015. Collection method: clinical testing. Allele origin: germline. Affected: yes. Observed: 2 variant alleles.

GeneDx
Classification: Pathogenic. Last evaluated: 2021-06-21. Review status: criteria provided, single submitter. Criteria: GeneDx Variant Classification Process June 2021. Collection method: clinical testing. Allele origin: germline. Affected: yes.
Comment: Functional studies indicate a gain-of-function effect that disrupts normal function of the Kv1.2 potassium channel (Syrbe et al., 2015); Not observed in large population cohorts (Lek et al., 2016); In silico analysis, which includes protein predictors and evolutionary conservation, supports a deleterious effect; This variant is associated with the following publications: (PMID: 33802230, 31628766, 31692161, 30660924, 27535533, 31075689, 31487502, 31054490, 30283815, 29050392, 27733563, 25751627, 25477152)

Molecular Medicine for Neurodegenerative and Neuromuscular Diseases Unit, IRCCS Fondazione Stella Maris
Classification: Pathogenic for Developmental and epileptic encephalopathy, 32. Last evaluated: 2021-01-04. Review status: criteria provided, single submitter. Criteria: ACMG Guidelines, 2015. Collection method: research. Allele origin: de novo. Affected: yes.

Laboratory of Molecular Genetics (Pr. Bezieau's lab), CHU de Nantes
Classification: Pathogenic for Neurodevelopmental disorder. Last evaluated: 2020-02-18. Review status: criteria provided, single submitter. Criteria: ACMG Guidelines, 2015. Collection method: clinical testing. Allele origin: germline. Affected: yes.

CeGaT Center for Human Genetics Tuebingen
Classification: Pathogenic. Last evaluated: 2017-01-01. Review status: criteria provided, single submitter. Criteria: CeGaT Center For Human Genetics Tuebingen Variant Classification Criteria Version 2. Collection method: clinical testing. Allele origin: germline. Affected: yes. Observed: 1 variant allele.

Ambry Genetics
Classification: Pathogenic for Inborn genetic diseases. Last evaluated: 2016-04-26. Review status: criteria provided, single submitter. Criteria: Ambry exome assertion method (8-5-2015). Collection method: clinical testing. Allele origin: germline. Affected: yes. Observed: 1 variant allele.

Centre de Biologie Pathologie Génétique, Centre Hospitalier Universitaire de Lille
Classification: Likely pathogenic for Epileptic encephalopathy, early infantile, 1. Last evaluated: 2019-01-01. Review status: no assertion criteria provided. Collection method: clinical testing. Allele origin: unknown. Affected: yes. Not counted in ClinVar's aggregate classification.

OMIM
Classification: Pathogenic for DEVELOPMENTAL AND EPILEPTIC ENCEPHALOPATHY 32. Last evaluated: 2015-04-01. Review status: no assertion criteria provided. Collection method: literature only. Allele origin: germline. Not counted in ClinVar's aggregate classification.

Center of Excellence for Medical Genomics, Chulalongkorn University
Classification: Pathogenic for Developmental and epileptic encephalopathy, 32. Last evaluated: 2002-09-08. Review status: no assertion criteria provided. Collection method: research. Allele origin: unknown. Affected: yes. Not counted in ClinVar's aggregate classification.

Literature cited by the submitters: PubMed 25477152 (cited by Labcorp Genetics (formerly Invitae), Labcorp and OMIM); PubMed 25751627 (cited by 3 submitters); PubMed 27733563 (cited by Labcorp Genetics (formerly Invitae), Labcorp); PubMed 8663992 (cited by Ambry Genetics); PubMed 15694325 (cited by Ambry Genetics); PubMed 21044565 (cited by Ambry Genetics); PubMed 8663993 (cited by Ambry Genetics); PubMed 16002579 (cited by Ambry Genetics).